The following is an entry in ClinVar:

ClinVar aggregate classification (germline): Pathogenic. Review status: criteria provided, multiple submitters, no conflicts (2 of 4 stars). 5 submissions from 5 submitters: Pathogenic (5). Last evaluated 2024-07-10.

Conditions:
PAK1-related disorder. Also called: PAK1-related condition.
PAK1-related neurodevelopmental disorders.
Intellectual developmental disorder with macrocephaly, seizures, and speech delay. Identifiers: MedGen C4748428, MONDO:0032568, OMIM 618158.

Submissions (5):

Blueprint Genetics
Classification: Pathogenic for PAK1-related disorders. Last evaluated: 2024-07-10. Review status: criteria provided, single submitter. Criteria: ACMG Guidelines, 2015. Collection method: clinical testing. Allele origin: germline. Affected: yes. Observed: 1 variant allele.

GeneDx
Classification: Pathogenic. Last evaluated: 2024-06-11. Review status: criteria provided, single submitter. Criteria: GeneDx Variant Classification Process June 2021. Collection method: clinical testing. Allele origin: germline. Affected: yes.
Comment: Published functional studies on patient fibroblasts suggest this variant results in impairment of PAK1 function, however additional studies are needed to validate the functional effect of this variant in vivo (PMID: 31392718); Not observed at significant frequency in large population cohorts (gnomAD); In silico analysis supports that this missense variant has a deleterious effect on protein structure/function; This variant is associated with the following publications: (PMID: 31392718, 27535533)

3billion
Classification: Pathogenic for Intellectual developmental disorder with macrocephaly, seizures, and speech delay. Last evaluated: 2024-06-05. Review status: criteria provided, single submitter. Criteria: ACMG Guidelines, 2015. Collection method: clinical testing. Allele origin: germline. Affected: yes.
Comment: The variant is not observed in the gnomAD v4.0.0 dataset. Predicted Consequence/Location: Missense changes are a common disease-causing mechanism. In silico tool predictions suggest damaging effect of the variant on gene or gene product [REVEL: 0.80 (>=0.6, sensitivity 0.68 and specificity 0.92); 3Cnet: 0.92 (>=0.6, sensitivity 0.72 and precision 0.9)]. The same nucleotide change resulting in the same amino acid change has been previously reported as pathogenic/likely pathogenic with strong evidence (ClinVar ID: VCV000973272 /PMID: 31392718).The variant has been previously reported as de novo in a similarly affected individual (PMID: 31392718).A different missense change at the same codon (p.Pro121Ser) has been reported as pathogenic/likely pathogenic with strong evidence (ClinVar ID: VCV001325809 /PMID: 31504246). Therefore, this variant is classified as Pathogenic according to the recommendation of ACMG/AMP guideline.

PreventionGenetics, part of Exact Sciences
Classification: Pathogenic for PAK1-related condition. Last evaluated: 2023-03-21. Review status: criteria provided, single submitter. Criteria: ACMG Guidelines, 2015. Collection method: clinical testing. Allele origin: germline.
Comment: The PAK1 c.362C>T variant is predicted to result in the amino acid substitution p.Pro121Leu. This variant has been previously reported as a de novo finding in one patient with severe regressive autism, intellectual disability, macrocephaly and epilepsy. Functional analyses using the patient's cells showed that the presence of PAK1 p.Pro121Leu substitution results in misregulated PAK1-dependent pathways, altered cytoskeletal organization, and early attenuation of cellular proliferation (Kernohan et al. 2019. PubMed ID: 31392718). This variant has not been reported in a large population database, indicating this variant is rare. An alternate nucleotide change affecting the same amino acid (p.Pro121Ser) has been reported as de novo in a patient with hypotonia, ADHD, developmental delay, tremors, ataxia, and macrocephaly (Patient 3, Horn et al. 2019. PubMed:1504246). In summary, this variant is interpreted as pathogenic.

Illumina Laboratory Services, Illumina
Classification: Pathogenic for PAK1-related neurodevelopmental disorders. Last evaluated: 2019-12-04. Review status: criteria provided, single submitter. Criteria: ICSLVariantClassificationCriteria RUGD 01 April 2020. Collection method: clinical testing. Allele origin: unknown.
Comment: The PAK1 c.362C>T (p.Pro121Leu) missense variant has not been reported in the literature in association with PAK1-related neurodevelopmental disorders. Control data are not available for the p.Pro121Leu variant, which is not reported in the Genome Aggregation Database in a region of good sequence coverage, so is presumed to be rare. The p.Pro121Leu variant is located in the functionally important autoregulatory domain of the protein (Horn et al. 2019). Based on the occurrence of the variant de novo, the identification of a pathogenic variant at the same amino acid position, absence of the variant from population databases and application of ACMG criteria, the p.Pro121Leu variant is classified as pathogenic for PAK1-related neurodevelopmental disorders.

Literature cited by the submitters: PubMed 31504246 (cited by 3billion and Illumina Laboratory Services, Illumina); PubMed 31392718 (cited by 3billion).

NM_002576.5(PAK1):c.362C>T (p.Pro121Leu)

Gene: PAK1 (p21 (RAC1) activated kinase 1; minus strand). Cytogenetic location: 11q13.5.
Variant type: single nucleotide variant.
Coding change: c.362C>T on transcript NM_002576.5 (MANE Select); coding-DNA position 362, C replaced by T.
Protein change: p.Pro121Leu; replaces proline 121 with leucine.
Molecular consequence: missense variant. On other transcripts: non-coding transcript variant (2), intron variant (1).
Genome position (GRCh38, 1-based): chr11:77,379,318, G>A on the plus strand (C>T on the coding strand, the complement: PAK1 is on the minus strand). VCF-style: chr11-77379318-G-A. GRCh37 (hg19) VCF-style: chr11-77090363-G-A.
Other names: c.362C>T, p.Pro121Leu (NM_001128620.2, NM_001376268.1, NM_001376269.1 and 26 more transcripts); c.383C>T, p.Pro128Leu (NM_001376272.1); c.68C>T, p.Pro23Leu (NM_001376302.1, NM_001376304.1, NM_001376305.1); c.191-4953C>T (NM_001376301.1); short protein forms P128L, P121L, P23L.
Identifiers: ClinVar variation 973272 (VCV000973272.8), dbSNP rs1949519149, ClinGen allele CA382169636.